The following is an entry in ClinVar:

NM_000264.5(PTCH1):c.*2001C>T

Gene: PTCH1 (patched 1; minus strand). Cytogenetic location: 9q22.32.
Variant type: single nucleotide variant.
Coding change: c.*2001C>T on transcript NM_000264.5 (MANE Select); 2001 bases downstream of the stop codon, C replaced by T.
Molecular consequence: 3 prime UTR variant. On other transcripts: non-coding transcript variant (1).
Genome position (GRCh38, 1-based): chr9:95,444,392, G>A on the plus strand (C>T on the coding strand, the complement: PTCH1 is on the minus strand). VCF-style: chr9-95444392-G-A. GRCh37 (hg19) VCF-style: chr9-98206674-G-A.
Other names: c.*2001C>T (NM_001083602.3, NM_001083603.3, NM_001083604.3 and 4 more transcripts).
Identifiers: ClinVar variation 913757 (VCV000913757.4), dbSNP rs531230280, ClinGen allele CA196553065.

ClinVar aggregate classification (germline): Benign. Review status: criteria provided, single submitter (1 of 4 stars). 2 submissions from 1 submitter: Benign (2). Last evaluated 2018-01-12.

Conditions:
Gorlin syndrome. Also called: Basal cell nevus syndrome; Nevoid Basal Cell Carcinoma Syndrome. Identifiers: Orphanet 377, MedGen C0004779, MONDO:0007187.
Holoprosencephaly 7 (HPE7). Identifiers: Orphanet 2162, MedGen C1835820, MONDO:0012562, OMIM 610828.

Allele frequency attached by ClinVar (database versions not stated): gnomAD 0.00001 and 0.00009; TOPMed 0.00002; 1000 Genomes Project 30x 0.00141; 1000 Genomes Project 0.00180.

Submissions (2):

Illumina Laboratory Services, Illumina
Classification: Benign for Basal cell nevus syndrome 1. Last evaluated: 2018-01-12. Review status: criteria provided, single submitter. Criteria: ICSL Variant Classification Criteria 13 December 2019. Collection method: clinical testing. Allele origin: germline.
Comment: This variant was observed in the ICSL laboratory as part of a predisposition screen in an ostensibly healthy population. It had not been previously curated by ICSL or reported in the Human Gene Mutation Database (HGMD: prior to June 1st, 2018), and was therefore a candidate for classification through an automated scoring system. Utilizing variant allele frequency, disease prevalence and penetrance estimates, and inheritance mode, an automated score was calculated to assess if this variant is too frequent to cause the disease. Based on the score and internal cut-off values, a variant classified as benign is not then subjected to further curation. The score for this variant resulted in a classification of benign for this disease.

Illumina Laboratory Services, Illumina
Classification: Benign for Holoprosencephaly 7. Last evaluated: 2018-01-12. Review status: criteria provided, single submitter. Criteria: ICSL Variant Classification Criteria 13 December 2019. Collection method: clinical testing. Allele origin: germline.
Comment: the same text as in the submission from Illumina Laboratory Services, Illumina above.